The following is an entry in ClinVar:

ClinVar aggregate classification (germline): Conflicting classifications of pathogenicity. Review status: criteria provided, conflicting classifications (1 of 4 stars). 21 submissions from 21 submitters: Uncertain significance (1); Benign (2); Likely benign (16). 2 of the submissions do not count toward it. Last evaluated 2026-02-02.

Conditions:
Hereditary cancer-predisposing syndrome. Also called: Neoplastic Syndromes, Hereditary; Hereditary Cancer Syndrome; Tumor predisposition; Hereditary neoplastic syndrome. Identifiers: Orphanet 140162, MedGen C0027672, MeSH D009386, MONDO:0015356.
Breast and/or ovarian cancer. Identifiers: MedGen CN221562.
Ataxia-telangiectasia syndrome (AT). Also called: Ataxia-telangiectasia, complementation group D; AT, COMPLEMENTATION GROUP C; Ataxia-telangiectasia; ATAXIA-TELANGIECTASIA, COMPLEMENTATION GROUP A; ATAXIA-TELANGIECTASIA, FRESNO VARIANT; Ataxia-telangiectasia, complementation group E. Identifiers: Orphanet 100, MedGen C0004135, MONDO:0008840, OMIM 208900.
Familial cancer of breast. Also called: BREAST CANCER, FAMILIAL; hereditary breast carcinoma; Hereditary breast cancer. Identifiers: Orphanet 227535, MedGen C0346153, MONDO:0016419, OMIM 114480. Disease mechanism: loss of function.
Malignant tumor of breast. Also called: Malignant breast neoplasm; Cancer breast. Identifiers: MedGen C0006142, MONDO:0007254. Disease mechanism: loss of function.

Allele frequency attached by ClinVar (database versions not stated): 1000 Genomes Project 0.00040; TOPMed 0.00040; 1000 Genomes Project 30x 0.00031; gnomAD 0.00038; gnomAD exomes 0.00051; ESP Exome Variant Server 0.00054.
gnomAD v4.1: 821 of 1,601,862 alleles (0.051%); highest among the groups gnomAD compares: Non-Finnish European, 0.064%; 1 homozygote.

Submissions (21):

Labcorp Genetics (formerly Invitae), Labcorp
Classification: Likely benign for Ataxia-telangiectasia syndrome. Last evaluated: 2026-02-02. Review status: criteria provided, single submitter. Criteria: Invitae Variant Classification Sherloc (09022015). Collection method: clinical testing. Allele origin: germline.

CeGaT Center for Human Genetics Tuebingen
Classification: Likely benign. Last evaluated: 2026-01-01. Review status: criteria provided, single submitter. Criteria: CeGaT Center For Human Genetics Tuebingen Variant Classification Criteria Version 2. Collection method: clinical testing. Allele origin: germline. Affected: yes. Observed: 4 variant alleles.
Comment: ATM: BP4, BP7

Institute for Biomarker Research, Medical Diagnostic Laboratories, L.L.C.
Classification: Likely benign for Hereditary cancer-predisposing syndrome. Last evaluated: 2025-10-14. Review status: criteria provided, single submitter. Criteria: ACMG Guidelines, 2015. Collection method: clinical testing. Allele origin: germline.
Comment: The synonymous variant NM_000051.4(ATM):c.6795C>T (p.Phe2265=) has not been reported previously as a pathogenic variant, to our knowledge. The variant is observed in one or more well-documented healthy adults. The p.Phe2265= variant is not predicted to disrupt the existing donor splice site 13bp upstream by any splice site algorithm. The p.Phe2265= variant results in a substitution of a base that is not predicted conserved by GERP++ and PhyloP. For these reasons, this variant has been classified as Likely Benign.

Quest Diagnostics Nichols Institute San Juan Capistrano
Classification: Likely benign. Last evaluated: 2025-04-18. Review status: criteria provided, single submitter. Criteria: Quest Diagnostics criteria. Collection method: clinical testing. Allele origin: unknown.

Mayo Clinic Laboratories, Mayo Clinic
Classification: Likely benign. Last evaluated: 2025-01-27. Review status: criteria provided, single submitter. Criteria: ACMG Guidelines, 2015. Collection method: clinical testing. Allele origin: germline. Observed: 3 variant alleles.
Comment: BS1, BP4, BP7

Molecular Diagnostics Laboratory, Catalan Institute of Oncology
Classification: Likely benign for Hereditary cancer-predisposing syndrome. Last evaluated: 2024-10-23. Review status: criteria provided, single submitter. Criteria: ClinGen ACMG Specifications ATM V1.1.0. Collection method: clinical testing. Allele origin: germline.
Comment: BP4, BP7 c.6795C>T, located in exon 46 of the ATM gene, is predicted to result in no amino acid change, p.(Phe2265=) (BP7). This variant is found in 54/264688 alleles at a frequency of 0.02% in the gnomAD v2.1.1 database, non-cancer dataset. The SpliceAI algorithm predicts no significant impact on splicing (BP4). To our knowledge, neither relevant clinical data nor well-stablished functional studies have been reported for this variant. This variant has been reported in ClinVar (2x benign, 14x likely benign, 1x uncertain significance) and LOVD (2x likely benign) databases. Based on currently available information, the variant c.6795C>T should be considered a likely benign variant.

Blueprint Genetics
Classification: Likely benign. Last evaluated: 2024-09-14. Review status: criteria provided, single submitter. Criteria: ACMG Guidelines, 2015. Collection method: clinical testing. Allele origin: germline.

Myriad Genetics, Inc.
Classification: Benign for Familial cancer of breast. Last evaluated: 2024-06-10. Review status: criteria provided, single submitter. Criteria: Myriad Autosomal Dominant, Autosomal Recessive and X-Linked Classification Criteria (2023). Collection method: clinical testing. Allele origin: unknown.
Comment: This variant is considered benign. This variant is a silent/synonymous amino acid change and it is not expected to impact splicing.

CHEO Genetics Diagnostic Laboratory, Children's Hospital of Eastern Ontario
Classification: Likely benign for Breast and/or ovarian cancer. Last evaluated: 2021-07-09. Review status: criteria provided, single submitter. Criteria: ACMG Guidelines, 2015. Collection method: clinical testing. Allele origin: germline.

Sema4
Classification: Likely benign for Hereditary cancer-predisposing syndrome. Last evaluated: 2021-05-18. Review status: criteria provided, single submitter. Criteria: Sema4 Curation Guidelines. Collection method: curation. Allele origin: germline.

ARUP Laboratories, Molecular Genetics and Genomics, ARUP Laboratories
Classification: Likely benign. Last evaluated: 2020-04-24. Review status: criteria provided, single submitter. Criteria: ARUP Molecular Germline Variant Investigation Process. Collection method: clinical testing. Allele origin: germline.

Athena Diagnostics
Classification: Likely benign. Last evaluated: 2019-07-15. Review status: criteria provided, single submitter. Criteria: Athena Diagnostics Criteria. Collection method: clinical testing. Allele origin: germline.

Women's Health and Genetics/Laboratory Corporation of America, LabCorp
Classification: Likely benign. Last evaluated: 2018-06-18. Review status: criteria provided, single submitter. Criteria: LabCorp Variant Classification Summary - May 2015. Collection method: clinical testing. Allele origin: germline.
Comment: Variant summary: ATM c.6795C>T alters a non-conserved nucleotide resulting in a synonymous change. 5/5 computational tools predict no significant impact on normal splicing. However, these predictions have yet to be confirmed by functional studies. The variant allele was found at a frequency of 0.00021 in 273300 control chromosomes (gnomAD). The available data on variant occurrences in the general population are insufficient to allow any conclusion about variant significance. The variant, c.6795C>T, has been reported in the literature with limited information (Bernstein_2010, Pettitt_2001). To our knowledge, no experimental evidence demonstrating an impact on protein function has been reported. Four ClinVar submissions from clinical diagnostic laboratories (evaluation after 2014) cite the variant as likely benign (3x) and uncertain signifncance (1x). Based on the evidence outlined above, the variant was classified as likely benign.

Illumina Laboratory Services, Illumina
Classification: Uncertain significance for Ataxia-telangiectasia syndrome. Last evaluated: 2018-01-13. Review status: criteria provided, single submitter. Criteria: ICSL Variant Classification Criteria 13 December 2019. Collection method: clinical testing. Allele origin: germline.

Genetic Services Laboratory, University of Chicago
Classification: Likely benign. Last evaluated: 2017-04-10. Review status: criteria provided, single submitter. Criteria: ACMG Guidelines, 2015. Collection method: clinical testing. Allele origin: germline. Affected: no.

PreventionGenetics, part of Exact Sciences
Classification: Likely benign. Last evaluated: 2017-01-06. Review status: criteria provided, single submitter. Criteria: ACMG Guidelines, 2015. Collection method: clinical testing. Allele origin: germline.

Color Diagnostics, LLC DBA Color Health
Classification: Likely benign for Hereditary cancer-predisposing syndrome. Last evaluated: 2015-04-14. Review status: criteria provided, single submitter. Criteria: ACMG Guidelines, 2015. Collection method: clinical testing. Allele origin: germline.

Ambry Genetics
Classification: Likely benign for Hereditary cancer-predisposing syndrome. Last evaluated: 2014-07-07. Review status: criteria provided, single submitter. Criteria: Ambry Variant Classification Scheme 2023. Collection method: clinical testing. Allele origin: germline.

GeneDx
Classification: Benign. Last evaluated: 2014-01-22. Review status: criteria provided, single submitter. Criteria: GeneDx Variant Classification (06012015). Collection method: clinical testing. Allele origin: germline. Affected: yes.
Comment: This variant is considered likely benign or benign based on one or more of the following criteria: it is a conservative change, it occurs at a poorly conserved position in the protein, it is predicted to be benign by multiple in silico algorithms, and/or has population frequency not consistent with disease.

Natera, Inc.
Classification: Likely benign for Ataxia-telangiectasia. Last evaluated: 2020-04-03. Review status: no assertion criteria provided. Collection method: clinical testing. Allele origin: germline. Not counted in ClinVar's aggregate classification.

Department of Pathology and Laboratory Medicine, Sinai Health System
Classification: Likely benign for Malignant tumor of breast. Review status: no assertion criteria provided. Collection method: clinical testing. Allele origin: unknown. Affected: yes. Study: The Canadian Open Genetics Repository (COGR). Not counted in ClinVar's aggregate classification.
Comment: The ATM p.Phe2265= variant was identified in 11 of 30,384 proband chromosomes (frequency: 0.0004) from individuals or families with breast cancer and was present in 8 of 10,976 control chromosomes (frequency: 0.0007) from healthy individuals (Bernstein 2010, Decker 2017). The variant was identified in dbSNP (rs3218699) as â€šÃ„Ãºwith uncertain significance, other alleleâ€šÃ„Ã¹ and ClinVar (classified as likely benign by Color, Ambry Genetics, Invitae and 3 other submitters, benign by GeneDx and uncertain significance by Illumina). The variant was not identified in LOVD 3.0. The variant was identified in control databases in 57 of 278,902 chromosomes at a frequency of 0.0002 increasing the likelihood this could be a low frequency benign variant (Genome Aggregation Database Feb 27, 2017). The variant was observed in the following populations: European in 49 of 128,014 chromosomes (freq: 0.0004), Other in 2 of 7164 chromosomes (freq: 0.0003), Latino in 3 of 35,362 chromosomes (freq: 0.00009), African in 2 of 24,802 chromosomes (freq: 0.00008), Finnish in 1 of 22,828 chromosomes (freq: 0.00004), while the variant was not observed in the Ashkenazi Jewish, East Asian and South Asian populations. The p.Phe2265= variant is not expected to have clinical significance because it does not result in a change of amino acid and is not located in a known consensus splice site. The variant occurs at a non-highly conserved nucleotide outside of the splicing consensus sequence and in silico or computational prediction software programs (SpliceSiteFinder, MaxEntScan, NNSPLICE, GeneSplicer) do not predict a difference in splicing. In summary, based on the above information the clinical significance of this variant cannot be determined with certainty at this time although we would lean towards a more benign role for this variant. This variant is classified as likely benign.

Literature cited by the submitters: PubMed 20305132 (cited by Athena Diagnostics and Women's Health and Genetics/Laboratory Corporation of America, LabCorp); PubMed 11468183 (cited by Athena Diagnostics and Women's Health and Genetics/Laboratory Corporation of America, LabCorp).

NM_000051.4(ATM):c.6795C>T (p.Phe2265=)

Genes: ATM (ATM serine/threonine kinase; plus strand), C11orf65 (chromosome 11 open reading frame 65; minus strand). Cytogenetic location: 11q22.3.
Variant type: single nucleotide variant.
Coding change: c.6795C>T on transcript NM_000051.4 (MANE Select); coding-DNA position 6795, C replaced by T.
Protein change: p.Phe2265=; no amino-acid change (phenylalanine 2265 retained).
Molecular consequence: synonymous variant. On other transcripts: intron variant (2).
Genome position (GRCh38, 1-based): chr11:108,325,532, C>T. VCF-style: chr11-108325532-C-T. GRCh37 (hg19) VCF-style: chr11-108196259-C-T.
Other names: p.F2265F:TTC>TTT; p.Phe2265=; c.6795C>T, p.Phe2265= (NM_001351834.2); c.641-16461G>A (NM_001330368.2); c.*38+9688G>A (NM_001351110.2).
Identifiers: ClinVar variation 135774 (VCV000135774.62), dbSNP rs3218699, ClinGen allele CA289516.